The following is an entry in ClinVar:

ClinVar aggregate classification (germline): Uncertain significance. Review status: criteria provided, multiple submitters, no conflicts (2 of 4 stars). 3 submissions from 3 submitters: Uncertain significance (3). Last evaluated 2023-08-07.

Conditions:
Progressive microcephaly-seizures-cortical blindness-developmental delay syndrome. Also called: Seizures, cortical blindness, and microcephaly syndrome. Identifiers: Orphanet 477814, MedGen C5567650, MONDO:0014714, OMIM 616632.
Autosomal dominant nonsyndromic hearing loss 1. Also called: KONIGSMARK SYNDROME; DEAFNESS, AUTOSOMAL DOMINANT 1, WITH OR WITHOUT THROMBOCYTOPENIA. Identifiers: Orphanet 90635, MedGen C1852282, MONDO:0007424, OMIM 124900.

Allele frequency attached by ClinVar (database versions not stated): gnomAD 0.00001; TOPMed 0.00002.

Submissions (3):

Labcorp Genetics (formerly Invitae), Labcorp
Classification: Uncertain significance for Progressive microcephaly-seizures-cortical blindness-developmental delay syndrome; Autosomal dominant nonsyndromic hearing loss 1. Last evaluated: 2023-08-07. Review status: criteria provided, single submitter. Criteria: Invitae Variant Classification Sherloc (09022015). Collection method: clinical testing. Allele origin: germline.
Comment: This sequence change replaces arginine, which is basic and polar, with glutamine, which is neutral and polar, at codon 43 of the DIAPH1 protein (p.Arg43Gln). This variant is not present in population databases (gnomAD no frequency). This variant has not been reported in the literature in individuals affected with DIAPH1-related conditions. ClinVar contains an entry for this variant (Variation ID: 163079). Experimental studies and prediction algorithms are not available or were not evaluated, and the functional significance of this variant is currently unknown. In summary, the available evidence is currently insufficient to determine the role of this variant in disease. Therefore, it has been classified as a Variant of Uncertain Significance.

Blueprint Genetics
Classification: Uncertain significance. Last evaluated: 2021-06-17. Review status: criteria provided, single submitter. Criteria: ACMG Guidelines, 2015. Collection method: clinical testing. Allele origin: germline.

Laboratory for Molecular Medicine, Mass General Brigham Personalized Medicine
Classification: Uncertain significance. Last evaluated: 2015-11-30. Review status: criteria provided, single submitter. Criteria: LMM Criteria. Collection method: clinical testing. Allele origin: germline. Observed: 1 variant allele.
Comment: proposed classification - variant undergoing re-assessment, contact laboratory

NM_005219.5(DIAPH1):c.128G>A (p.Arg43Gln)

Gene: DIAPH1 (diaphanous related formin 1; minus strand). Cytogenetic location: 5q31.3.
Variant type: single nucleotide variant.
Coding change: c.128G>A on transcript NM_005219.5 (MANE Select); coding-DNA position 128, G replaced by A.
Protein change: p.Arg43Gln; replaces arginine 43 with glutamine.
Molecular consequence: missense variant. On other transcripts: intron variant (1).
Genome position (GRCh38, 1-based): chr5:141,588,240, C>T on the plus strand (G>A on the coding strand, the complement: DIAPH1 is on the minus strand). VCF-style: chr5-141588240-C-T. GRCh37 (hg19) VCF-style: chr5-140967807-C-T.
Other names: c.128G>A, p.Arg43Gln (NM_001314007.2); c.118-1043G>A (NM_001079812.3); short protein forms R43Q.
Identifiers: ClinVar variation 163079 (VCV000163079.8), dbSNP rs727502964, ClinGen allele CA175673.